The following is an entry in ClinVar:

ClinVar aggregate classification (oncogenicity): Oncogenic (1 of 4 stars; one submission).

Conditions:
Acute myeloid leukemia (AML). Also called: Acute myeloid leukemia, adult; AML adult; Acute non-lymphocytic leukemia; Acute granulocytic leukemia; Leukemia, acute myeloid, somatic; Leukemia, acute myelogenous, somatic. Identifiers: Orphanet 519, MedGen C0023467, MeSH D015470, MONDO:0018874, OMIM 601626, HP:0004808. Disease mechanism: Constitutively activated FLT3.

Submission:

Microbiology and Molecular Biology Lab, Lahore College for Women University
Classification: Oncogenic for Acute myeloid leukemia. Last evaluated: 2025-10-12. Review status: criteria provided, single submitter. Criteria: Assertion Criteria 1.0. Collection method: research. Allele origin: somatic. Affected: yes.
Comment: NRAS cDNA Change: c.217A>G is somatic, oncogenic mutation which is not commonly seen in any databases. This mutation is seen in exon 3 of NRAS gene where GTP ad GDP interconversion takes place. In this variant, SNP was found in which Arginine amino acid replaced by Glycine at position 37 (p.R73G) which disrupted activity of protein. This variant has never been reported in case of AML. This variant has highly damaging effect on protein activity, structure, function, kinase activity and have oncogenic protentional after predicting this variant by various bioinformatics tools.

NM_002524.5(NRAS):c.217A>G (p.Arg73Gly)

Gene: NRAS (NRAS proto-oncogene, GTPase; minus strand). Cytogenetic location: 1p13.2.
Variant type: single nucleotide variant.
Coding change: c.217A>G on transcript NM_002524.5 (MANE Select); coding-DNA position 217, A replaced by G.
Protein change: p.Arg73Gly; replaces arginine 73 with glycine.
Molecular consequence: missense variant.
Genome position (GRCh38, 1-based): chr1:114,713,873, T>C on the plus strand (A>G on the coding strand, the complement: NRAS is on the minus strand). VCF-style: chr1-114713873-T-C. GRCh37 (hg19) VCF-style: chr1-115256494-T-C.
Other names: short protein forms R73G.
Identifiers: ClinVar variation 4526613 (VCV004526613.1).